The following is an entry in ClinVar:

NM_021098.3(CACNA1H):c.1790C>T (p.Thr597Ile)

Gene: CACNA1H (calcium voltage-gated channel subunit alpha1 H; plus strand). Cytogenetic location: 16p13.3.
Variant type: single nucleotide variant.
Coding change: c.1790C>T on transcript NM_021098.3 (MANE Select); coding-DNA position 1790, C replaced by T.
Protein change: p.Thr597Ile; replaces threonine 597 with isoleucine.
Molecular consequence: missense variant.
Genome position (GRCh38, 1-based): chr16:1,202,240, C>T. VCF-style: chr16-1202240-C-T. GRCh37 (hg19) VCF-style: chr16-1252240-C-T.
Other names: c.1790C>T, p.Thr597Ile (NM_001005407.2); short protein forms T597I.
Identifiers: ClinVar variation 1467567 (VCV001467567.8), dbSNP rs890994381, ClinGen allele CA276651748.
Genomic context (GRCh38, chr16:1,202,240, plus strand): 5'-ATGCCGACTGCCACATAGAGGGGCCGCAGGAGAGGGCCCGGGTGGCACATGCCGCAGCCA[C>T]TGCCGCTGCCAGCCTCAGACTGGCCACAGGGCTGGGCACCATGAACTACCCCACGATCCT-3'
Protein context (NP_066921.2, residues 587-607): ERARVAHAAA[Thr597Ile]AAASLRLATG

ClinVar aggregate classification (germline): Uncertain significance (1 of 4 stars; one submission).

Conditions:
Idiopathic generalized epilepsy. Also called: Generalised epilepsy; EIG. Identifiers: MedGen C0270850, MONDO:0005579, OMIM 600669.
Hyperaldosteronism, familial, type IV (HALD4). Also called: FH IV; ALDOSTERONISM, PRIMARY, AND HYPERTENSION. Identifiers: Orphanet 642671, MedGen C4310756, MONDO:0014875, OMIM 617027.

Submission:

Labcorp Genetics (formerly Invitae), Labcorp
Classification: Uncertain significance for Idiopathic generalized epilepsy; Hyperaldosteronism, familial, type IV. Last evaluated: 2021-01-27. Review status: criteria provided, single submitter. Criteria: Invitae Variant Classification Sherloc (09022015). Collection method: clinical testing. Allele origin: germline.
Comment: This sequence change replaces threonine with isoleucine at codon 597 of the CACNA1H protein (p.Thr597Ile). The threonine residue is weakly conserved and there is a moderate physicochemical difference between threonine and isoleucine. The frequency data for this variant in the population databases is considered unreliable, as metrics indicate insufficient coverage at this position in the ExAC database. This variant has not been reported in the literature in individuals with CACNA1H-related conditions. Advanced modeling of protein sequence and biophysical properties (such as structural, functional, and spatial information, amino acid conservation, physicochemical variation, residue mobility, and thermodynamic stability) performed at Invitae indicates that this missense variant is not expected to disrupt CACNA1H protein function. In summary, the available evidence is currently insufficient to determine the role of this variant in disease. Therefore, it has been classified as a Variant of Uncertain Significance.